The following is an entry in ClinVar:

NM_144691.4(CAPN12):c.1405C>T (p.His469Tyr)

Genes: CAPN12 (calpain 12; minus strand), LOC130064372 (ATAC-STARR-seq lymphoblastoid silent region 10581; plus strand). Cytogenetic location: 19q13.2.
Variant type: single nucleotide variant.
Coding change: c.1405C>T on transcript NM_144691.4 (MANE Select); coding-DNA position 1405, C replaced by T.
Protein change: p.His469Tyr; replaces histidine 469 with tyrosine.
Molecular consequence: missense variant.
Genome position (GRCh38, 1-based): chr19:38,736,288, G>A on the plus strand (C>T on the coding strand, the complement: CAPN12 is on the minus strand). VCF-style: chr19-38736288-G-A. GRCh37 (hg19) VCF-style: chr19-39226928-G-A.
Other names: short protein forms H469Y.
Identifiers: ClinVar variation 3041706 (VCV003041706.2), dbSNP rs199893946, ClinGen allele CA9418722.

ClinVar aggregate classification (germline): Benign (0 of 4 stars; one submission).

Conditions:
CAPN12-related disorder. Also called: CAPN12-related condition.

Allele frequency attached by ClinVar (database versions not stated): 1000 Genomes Project 0.00060; 1000 Genomes Project 30x 0.00094; ExAC 0.00326; TOPMed 0.00341; gnomAD 0.00351.
gnomAD v4.1: 9,346 of 1,443,166 alleles (0.65%); highest among the groups gnomAD compares: Non-Finnish European, 0.81%; 27 homozygotes.

Submission:

PreventionGenetics, part of Exact Sciences
Classification: Benign for CAPN12-related condition. Last evaluated: 2020-07-28. Review status: no assertion criteria provided. Collection method: clinical testing. Allele origin: germline.
Comment: This variant is classified as benign based on ACMG/AMP sequence variant interpretation guidelines (Richards et al. 2015 PMID: 25741868, with internal and published modifications).